The following is an entry in ClinVar:

ClinVar aggregate classification (germline): Pathogenic. Review status: criteria provided, single submitter (1 of 4 stars). 2 submissions from 2 submitters: Pathogenic (1). 1 of the submissions does not count toward it. Last evaluated 2022-10-07.

Conditions:
Retinal dystrophy. Also called: Inherited retinal dystrophy. Identifiers: Orphanet 71862, MedGen C0854723, MeSH D058499, MONDO:0019118, HP:0000556.

Submissions (2):

Labcorp Genetics (formerly Invitae), Labcorp
Classification: Pathogenic. Last evaluated: 2022-10-07. Review status: criteria provided, single submitter. Criteria: Invitae Variant Classification Sherloc (09022015). Collection method: clinical testing. Allele origin: germline.
Comment: For these reasons, this variant has been classified as Pathogenic. This variant has not been reported in the literature in individuals affected with EYS-related conditions. This variant is not present in population databases (gnomAD no frequency). This sequence change creates a premature translational stop signal (p.Ala1465Serfs*5) in the EYS gene. It is expected to result in an absent or disrupted protein product. Loss-of-function variants in EYS are known to be pathogenic (PMID: 18836446, 20333770).

Institute of Human Genetics, Univ. Regensburg, Univ. Regensburg
Classification: Pathogenic for Retinal dystrophy. Last evaluated: 2019-01-01. Review status: no assertion criteria provided. Criteria: ACMG Guidelines, 2015. Collection method: clinical testing. Allele origin: germline. Affected: yes. Not counted in ClinVar's aggregate classification.

Literature cited by the submitters: PubMed 18836446 (cited by Labcorp Genetics (formerly Invitae), Labcorp); PubMed 20333770 (cited by Labcorp Genetics (formerly Invitae), Labcorp).

NM_001142800.2(EYS):c.4392_4393del (p.Ala1465fs)

Gene: EYS (EGF-like photoreceptor maintenance factor; minus strand). Cytogenetic location: 6q12.
Variant type: Deletion.
Coding change: c.4392_4393del on transcript NM_001142800.2 (MANE Select); coding-DNA positions 4392 to 4393, 2 bases deleted (GG; older notation c.4392_4393delGG).
Protein change: p.Ala1465fs; shifts the reading frame from alanine 1465.
Molecular consequence: frameshift variant.
Genome position (GRCh38, 1-based): chr6:64,591,474-64,591,475, CC deleted on the plus strand (GG on the coding strand, the reverse complement: EYS is on the minus strand); deleting any 2 consecutive bases within chr6:64,591,474-64,591,479 gives the same sequence; the c. name uses the placement nearest the transcript's 3' end. VCF-style (leftmost placement, unchanged base first): chr6-64591473-GCC-G. GRCh37 (hg19) VCF-style: chr6-65301366-GCC-G.
Other names: c.4392_4393del, p.Ala1465fs (NM_001292009.2); short protein forms A1465fs.
Identifiers: ClinVar variation 2033377 (VCV002033377.5), dbSNP rs750840208, ClinGen allele CA2578660418.